The following is an entry in ClinVar:

ClinVar aggregate classification (germline): Likely benign (1 of 4 stars; one submission).

Allele frequency attached by ClinVar (database versions not stated): 1000 Genomes Project 30x 0.00031; 1000 Genomes Project 0.00040; gnomAD 0.00090; ExAC 0.00855.
gnomAD v4.1: 1,458 of 702,462 alleles (0.21%); highest among the groups gnomAD compares: Middle Eastern, 1.8%; 23 homozygotes.

Submission:

CeGaT Center for Human Genetics Tuebingen
Classification: Likely benign. Last evaluated: 2025-01-01. Review status: criteria provided, single submitter. Criteria: CeGaT Center For Human Genetics Tuebingen Variant Classification Criteria Version 2. Collection method: clinical testing. Allele origin: germline. Affected: yes. Observed: 2 variant alleles.
Comment: PTPRQ: BS1

NM_001145026.2(PTPRQ):c.391-3040A>G

Gene: PTPRQ (protein tyrosine phosphatase receptor type Q; plus strand). Cytogenetic location: 12q21.31.
Variant type: single nucleotide variant.
Coding change: c.391-3040A>G on transcript NM_001145026.2 (MANE Select); 3040 bases into the intron before coding-DNA position 391, A replaced by G.
Molecular consequence: intron variant.
Genome position (GRCh38, 1-based): chr12:80,454,535, A>G. VCF-style: chr12-80454535-A-G. GRCh37 (hg19) VCF-style: chr12-80855641-T-C.
Identifiers: ClinVar variation 3234172 (VCV003234172.20), dbSNP rs189306719, ClinGen allele CA6702320.